The following is an entry in ClinVar:

ClinVar aggregate classification (germline): Uncertain significance (1 of 4 stars; one submission).

Conditions:
Nemaline myopathy 2 (NEM2). Also called: Nemaline myopathy 2, autosomal recessive. Identifiers: MedGen C1850569, MONDO:0009725, OMIM 256030.

Allele frequency attached by ClinVar (database versions not stated): TOPMed below 0.00001; gnomAD 0.00001.
gnomAD v4.1: 1 of 1,610,126 alleles (0.000062%); highest among the groups gnomAD compares: Non-Finnish European, 0.000085%; no homozygotes.

Submission:

Labcorp Genetics (formerly Invitae), Labcorp
Classification: Uncertain significance for Nemaline myopathy 2. Last evaluated: 2021-08-14. Review status: criteria provided, single submitter. Criteria: Invitae Variant Classification Sherloc (09022015). Collection method: clinical testing. Allele origin: germline.
Comment: In summary, the available evidence is currently insufficient to determine the role of this variant in disease. Therefore, it has been classified as a Variant of Uncertain Significance. Algorithms developed to predict the effect of missense changes on protein structure and function are either unavailable or do not agree on the potential impact of this missense change (SIFT: "Deleterious"; PolyPhen-2: "Not Available"; Align-GVGD: "Class C0"). This variant has not been reported in the literature in individuals affected with NEB-related conditions. This variant is not present in population databases (ExAC no frequency). This sequence change replaces phenylalanine with valine at codon 218 of the NEB protein (p.Phe218Val). The phenylalanine residue is highly conserved and there is a small physicochemical difference between phenylalanine and valine.

NM_001164508.2(NEB):c.652T>G (p.Phe218Val)

Gene: NEB (nebulin; minus strand). Cytogenetic location: 2q23.3.
Variant type: single nucleotide variant.
Coding change: c.652T>G on transcript NM_001164508.2 (MANE Select); coding-DNA position 652, T replaced by G.
Protein change: p.Phe218Val; replaces phenylalanine 218 with valine.
Molecular consequence: missense variant.
Genome position (GRCh38, 1-based): chr2:151,723,447, A>C on the plus strand (T>G on the coding strand, the complement: NEB is on the minus strand). VCF-style: chr2-151723447-A-C. GRCh37 (hg19) VCF-style: chr2-152579961-A-C.
Other names: c.652T>G, p.Phe218Val (NM_001164507.2, NM_001271208.2, NM_004543.5); short protein forms F218V.
Identifiers: ClinVar variation 1508041 (VCV001508041.6), dbSNP rs1347757687, ClinGen allele CA348791398.
Genomic context (GRCh38, chr2:151,723,447, plus strand): 5'-TGAGAGCTTTCTGGGCCTGGGCAACTCTCCTCAGTTCCGGGCTATCATTATAGGGGTAAA[A>C]CAAACTTTTGTCTGCTTCCCAGTCTTCAGTGTACAGTTTCTAAATCAAAAAAGAGTGAAA-3'
Protein context (NP_001157980.2, residues 208-228): TEDWEADKSL[Phe218Val]YPYNDSPELR